The following is an entry in ClinVar:

ClinVar aggregate classification (germline): Uncertain significance (1 of 4 stars; one submission).

Submission:

CeGaT Center for Human Genetics Tuebingen
Classification: Uncertain significance. Last evaluated: 2023-03-01. Review status: criteria provided, single submitter. Criteria: CeGaT Center For Human Genetics Tuebingen Variant Classification Criteria Version 2. Collection method: clinical testing. Allele origin: germline. Affected: yes. Observed: 1 variant allele.
Comment: SYN1: PM2, BP4

NM_006950.3(SYN1):c.497A>G (p.Glu166Gly)

Gene: SYN1 (synapsin I; minus strand). Cytogenetic location: Xp11.23.
Variant type: single nucleotide variant.
Coding change: c.497A>G on transcript NM_006950.3 (MANE Select); coding-DNA position 497, A replaced by G.
Protein change: p.Glu166Gly; replaces glutamic acid 166 with glycine.
Molecular consequence: missense variant.
Genome position (GRCh38, 1-based): chrX:47,606,975, T>C on the plus strand (A>G on the coding strand, the complement: SYN1 is on the minus strand). VCF-style: chrX-47606975-T-C. GRCh37 (hg19) VCF-style: chrX-47466374-T-C.
Other names: c.497A>G, p.Glu166Gly (NM_133499.2); short protein forms E166G.
Identifiers: ClinVar variation 2660431 (VCV002660431.24), dbSNP rs2519706439, ClinGen allele CA412827034.